The following is an entry in ClinVar:

NM_001371986.1(UNC80):c.9509-4G>C

Gene: UNC80 (unc-80 subunit of NALCN channel complex; plus strand). Cytogenetic location: 2q34.
Variant type: single nucleotide variant.
Coding change: c.9509-4G>C on transcript NM_001371986.1 (MANE Select); 4 bases into the intron before coding-DNA position 9509, G replaced by C.
Molecular consequence: intron variant.
Genome position (GRCh38, 1-based): chr2:209,994,061, G>C. VCF-style: chr2-209994061-G-C. GRCh37 (hg19) VCF-style: chr2-210858785-G-C.
Other names: c.9311-4G>C (NM_032504.2); c.9239-4G>C (NM_182587.4).
Identifiers: ClinVar variation 2231528 (VCV002231528.5), dbSNP rs2471268044, ClinGen allele CA2580065514.
Genomic context (GRCh38, chr2:209,994,061, plus strand): 5'-TTAAGCATTGACGGTCCGTTTCCACCAACTCCTCCCCAATTTACTGTTTCACCTCTACCT[G>C]CAGCGGATCAGAAACGATCTGTGACCTTCATTGAGGCTCAGCCAGAGCCAGCAGCTGCCC-3'

ClinVar aggregate classification (germline): Conflicting classifications of pathogenicity. Review status: criteria provided, conflicting classifications (1 of 4 stars). 2 submissions from 2 submitters: Uncertain significance (1); Likely benign (1). Last evaluated 2023-06-03.

Conditions:
Inborn genetic diseases. Identifiers: MedGen C0950123, MeSH D030342.

Submissions (2):

Labcorp Genetics (formerly Invitae), Labcorp
Classification: Likely benign. Last evaluated: 2023-06-03. Review status: criteria provided, single submitter. Criteria: Invitae Variant Classification Sherloc (09022015). Collection method: clinical testing. Allele origin: germline.

Ambry Genetics
Classification: Uncertain significance for Inborn genetic diseases. Last evaluated: 2021-07-08. Review status: criteria provided, single submitter. Criteria: Ambry Variant Classification Scheme 2023. Collection method: clinical testing. Allele origin: germline.
Comment: The c.9311-4G>C intronic alteration consists of a G to C substitution 4 nucleotides before coding exon 63 in the UNC80 gene. Based on insufficient or conflicting evidence, the clinical significance of this alteration remains unclear.